The following is an entry in ClinVar:

ClinVar aggregate classification (germline): Pathogenic/Likely pathogenic. Review status: criteria provided, multiple submitters, no conflicts (2 of 4 stars). 2 submissions from 2 submitters: Pathogenic (1); Likely pathogenic (1). Last evaluated 2025-03-10.

Conditions:
Kostmann syndrome (SCN3). Also called: KOSTMANN DISEASE; Autosomal recessive severe congenital neutropenia type 3. Identifiers: Orphanet 99749, MedGen C5235141, MONDO:0012548, OMIM 610738.

Allele frequency attached by ClinVar (database versions not stated): ExAC 0.00001; ESP Exome Variant Server 0.00008; gnomAD exomes 0.00001 and 0.00002.
gnomAD v4.1: 29 of 1,614,174 alleles (0.0018%); highest among the groups gnomAD compares: Non-Finnish European, 0.0023%; no homozygotes.

Submissions (2):

Natera, Inc.
Classification: Likely pathogenic for Autosomal recessive severe congenital neutropenia type 3. Last evaluated: 2025-03-10. Review status: criteria provided, single submitter. Criteria: Natera Variant Classification Schema (03/2026). Collection method: clinical testing. Allele origin: germline.
Comment: The c.337G>T variant in HAX1 is a nonsense variant predicted to introduce a stop codon at amino acid 113. This variant is expected to result in nonsense mediated decay, truncation, or a dysfunctional protein product. This variant is rare in the general population with a frequency below the threshold expected for the associated phenotype(s). Given the available evidence, this variant is classified as Likely Pathogenic.

Labcorp Genetics (formerly Invitae), Labcorp
Classification: Pathogenic for Kostmann syndrome. Last evaluated: 2023-01-15. Review status: criteria provided, single submitter. Criteria: Invitae Variant Classification Sherloc (09022015). Collection method: clinical testing. Allele origin: germline.
Comment: ClinVar contains an entry for this variant (Variation ID: 864562). For these reasons, this variant has been classified as Pathogenic. Algorithms developed to predict the effect of sequence changes on RNA splicing suggest that this variant may disrupt the consensus splice site. This variant has not been reported in the literature in individuals affected with HAX1-related conditions. This variant is present in population databases (rs374758765, gnomAD 0.0009%). This sequence change creates a premature translational stop signal (p.Glu113*) in the HAX1 gene. It is expected to result in an absent or disrupted protein product. Loss-of-function variants in HAX1 are known to be pathogenic (PMID: 17187068).

Literature cited by the submitters: PubMed 17187068 (cited by Labcorp Genetics (formerly Invitae), Labcorp).

NM_006118.4(HAX1):c.337G>T (p.Glu113Ter)

Gene: HAX1 (HCLS1 associated protein X-1; plus strand). Cytogenetic location: 1q21.3.
Variant type: single nucleotide variant.
Coding change: c.337G>T on transcript NM_006118.4 (MANE Select); coding-DNA position 337, G replaced by T.
Protein change: p.Glu113Ter; replaces glutamic acid 113 with a stop codon.
Molecular consequence: nonsense.
Genome position (GRCh38, 1-based): chr1:154,273,794, G>T. VCF-style: chr1-154273794-G-T. GRCh37 (hg19) VCF-style: chr1-154246270-G-T.
Other names: c.193G>T, p.Glu65Ter (NM_001018837.2); short protein forms E113*, E65*.
Identifiers: ClinVar variation 864562 (VCV000864562.9), dbSNP rs374758765, ClinGen allele CA1127329.
Genomic context (GRCh38, chr1:154,273,794, plus strand): 5'-TCCTTTCCCATCCCAGCAAACACCTGCCACCTTTCTGCAGAACTTCCAGGTCCTGAGTCA[G>T]AGACACCTGGTGAGAGACTACGGGAGGGACAGACACTTCGGGACTCAATGCTTAAGTATC-3'